The following is an entry in ClinVar:

ClinVar aggregate classification (germline): Uncertain significance (1 of 4 stars; one submission).

Conditions:
Menkes kinky-hair syndrome (MNK). Also called: Copper transport disease; Menkes Disease; Classic Menkes Disease. Identifiers: Orphanet 565, MedGen C0022716, MONDO:0010651, OMIM 309400.
Cutis laxa, X-linked (OHS). Also called: EDS IX; Occipital horn syndrome. Identifiers: Orphanet 198, MedGen C0268353, MONDO:0010572, OMIM 304150.
X-linked distal spinal muscular atrophy type 3. Also called: ATP7A-Related Distal Motor Neuropathy; SPINAL MUSCULAR ATROPHY, DISTAL, X-LINKED RECESSIVE; NEURONOPATHY, DISTAL HEREDITARY MOTOR, X-LINKED; NEUROPATHY, DISTAL HEREDITARY MOTOR, X-LINKED. Identifiers: Orphanet 139557, MedGen C1845359, MONDO:0010338, OMIM 300489.

Submission:

Labcorp Genetics (formerly Invitae), Labcorp
Classification: Uncertain significance for X-linked distal spinal muscular atrophy type 3; Cutis laxa, X-linked; Menkes kinky-hair syndrome. Last evaluated: 2025-07-05. Review status: criteria provided, single submitter. Criteria: Invitae Variant Classification Sherloc (09022015). Collection method: clinical testing. Allele origin: germline.
Comment: This sequence change replaces lysine, which is basic and polar, with glutamic acid, which is acidic and polar, at codon 802 of the ATP7A protein (p.Lys802Glu). This variant is not present in population databases (gnomAD no frequency). This variant has not been reported in the literature in individuals affected with ATP7A-related conditions. ClinVar contains an entry for this variant (Variation ID: 2933541). An algorithm developed to predict the effect of missense changes on protein structure and function (PolyPhen-2) suggests that this variant is likely to be disruptive. In summary, the available evidence is currently insufficient to determine the role of this variant in disease. Therefore, it has been classified as a Variant of Uncertain Significance.

NM_000052.7(ATP7A):c.2404A>G (p.Lys802Glu)

Gene: ATP7A (ATPase copper transporting alpha; plus strand). Cytogenetic location: Xq21.1.
Variant type: single nucleotide variant.
Coding change: c.2404A>G on transcript NM_000052.7 (MANE Select); coding-DNA position 2404, A replaced by G.
Protein change: p.Lys802Glu; replaces lysine 802 with glutamic acid.
Molecular consequence: missense variant. On other transcripts: intron variant (1).
Genome position (GRCh38, 1-based): chrX:78,013,110, A>G. VCF-style: chrX-78013110-A-G. GRCh37 (hg19) VCF-style: chrX-77268607-A-G.
Other names: c.2172+1436A>G (NM_001282224.2); short protein forms K802E.
Identifiers: ClinVar variation 2933541 (VCV002933541.3), dbSNP rs2522355214, ClinGen allele CA413599677.